The following is an entry in ClinVar:

ClinVar aggregate classification (germline): Uncertain significance (1 of 4 stars; one submission).

gnomAD v4.1: 12 of 1,613,778 alleles (0.00074%); highest among the groups gnomAD compares: South Asian, 0.0011%; no homozygotes.

Submission:

Labcorp Genetics (formerly Invitae), Labcorp
Classification: Uncertain significance. Last evaluated: 2021-05-17. Review status: criteria provided, single submitter. Criteria: Invitae Variant Classification Sherloc (09022015). Collection method: clinical testing. Allele origin: germline.
Comment: In summary, the available evidence is currently insufficient to determine the role of this variant in disease. Therefore, it has been classified as a Variant of Uncertain Significance. Algorithms developed to predict the effect of missense changes on protein structure and function output the following: SIFT: "Tolerated"; PolyPhen-2: "Benign"; Align-GVGD: "Class C0". The leucine amino acid residue is found in multiple mammalian species, suggesting that this missense change does not adversely affect protein function. These predictions have not been confirmed by published functional studies and their clinical significance is uncertain. This variant has not been reported in the literature in individuals with BLK-related conditions. This variant is present in population databases (rs151045602, ExAC 0.01%). This sequence change replaces valine with leucine at codon 4 of the BLK protein (p.Val4Leu). The valine residue is moderately conserved and there is a small physicochemical difference between valine and leucine.

NM_001715.3(BLK):c.10G>T (p.Val4Leu)

Gene: BLK (BLK proto-oncogene, Src family tyrosine kinase). Cytogenetic location: 8p23.1.
Variant type: single nucleotide variant.
Coding change: c.10G>T on transcript NM_001715.3 (MANE Select); coding-DNA position 10, G replaced by T.
Protein change: p.Val4Leu; replaces valine 4 with leucine.
Molecular consequence: missense variant. On other transcripts: intron variant (1).
Genome position (GRCh38, 1-based): chr8:11,543,234, G>T. VCF-style: chr8-11543234-G-T. GRCh37 (hg19) VCF-style: chr8-11400743-G-T.
Other names: c.-90-2818G>T (NM_001330465.2); short protein forms V4L.
Identifiers: ClinVar variation 1441808 (VCV001441808.8), dbSNP rs151045602, ClinGen allele CA4629626.